The following is an entry in ClinVar:

ClinVar aggregate classification (germline): Conflicting classifications of pathogenicity. Review status: criteria provided, conflicting classifications (1 of 4 stars). 5 submissions from 5 submitters: Pathogenic (1); Likely pathogenic (2); Uncertain significance (2). Last evaluated 2025-12-29.

Conditions:
Centronuclear myopathy (CNM). Also called: Myotubular myopathy; Centronuclear myopathy, congenital. Identifiers: Orphanet 595, MedGen C0175709, MONDO:0018947. Inheritance: All.
Autosomal recessive limb-girdle muscular dystrophy type 2J (LGMDR10). Also called: MUSCULAR DYSTROPHY, LIMB-GIRDLE, AUTOSOMAL RECESSIVE 10; Limb-girdle muscular dystrophy, type 2J. Identifiers: Orphanet 140922, MedGen C1837342, MONDO:0012127, OMIM 608807.
TTN-related disorder. Also called: TTN-related condition; TTN-related disease; TTN-related disorders.
Dilated cardiomyopathy 1G (CMD1G). Identifiers: Orphanet 154, MedGen C1858763, MONDO:0011400, OMIM 604145.

Allele frequency attached by ClinVar (database versions not stated): gnomAD 0.00001; gnomAD exomes 0.00001 and 0.00002; TOPMed 0.00001; ExAC 0.00004.

Submissions (5):

Labcorp Genetics (formerly Invitae), Labcorp
Classification: Pathogenic for Dilated cardiomyopathy 1G; Autosomal recessive limb-girdle muscular dystrophy type 2J. Last evaluated: 2025-12-29. Review status: criteria provided, single submitter. Criteria: Invitae Variant Classification Sherloc (09022015). Collection method: clinical testing. Allele origin: germline.
Comment: This sequence change creates a premature translational stop signal (p.Glu11945Argfs*6) in the TTN gene. While this is not anticipated to result in nonsense mediated decay, it is expected to create a truncated TTN protein. This variant is present in population databases (rs765879488, gnomAD 0.003%). This premature translational stop signal has been observed in individuals with limb girdle weakness and/or skeletal muscle disorders (PMID: 29435569, 32528171; internal data). This variant has been reported in individual(s) with dilated cardiomyopathy (internal data); however, the role of the variant in this condition is currently unclear. ClinVar contains an entry for this variant (Variation ID: 548989). This variant is located in the I band of TTN (PMID: 25589632). Truncating variants in this region have been reported in individuals affected with autosomal recessive centronuclear myopathy (PMID: 23975875, internal data). Truncating variants in this region have also been identified in individuals affected with autosomal dominant dilated cardiomyopathy and/or cardio-related conditions (PMID: 27869827, 32964742, internal data). For these reasons, this variant has been classified as Pathogenic.

PreventionGenetics, part of Exact Sciences
Classification: Likely pathogenic for TTN-related condition. Last evaluated: 2025-05-08. Review status: criteria provided, single submitter. Criteria: ACMG Guidelines, 2015. Collection method: clinical testing. Allele origin: germline.
Comment: The TTN c.35828dupA variant is predicted to result in a frameshift and premature protein termination (p.Glu11945Argfs*6). This variant has been reported in the compound heterozygous state with a second truncating variants in at least two individuals with autosomal recessive TTN-related disorders (Savarese et al. 2018. PubMed ID: 29435569; Table S1, Savarese et al. 2020. PubMed ID: 32778822; Perrin et al. 2024. PubMed ID: 39684706). This variant is reported in 0.0028% of alleles in individuals of European (Non-Finnish) descent in gnomAD. This variant is located in the TTN protein I-band region. RNAseq studies from heart tissue indicate this exon is not commonly included in TTN mRNA transcripts (PSI of 0-5%); however, this analysis in muscle tissue was not performed (Roberts et al. 2015. PubMed ID: 25589632). TTN truncating variants are reported in 1-2% of presumably healthy individuals and occur more frequently in exons with low PSI values (Herman et al. 2012. PubMed ID: 22335739; Roberts et al. 2015. PubMed ID: 25589632). However, many cases of autosomal recessive TTN-related myopathies in which the individual is compound heterozygous for two truncating variants in exons with low PSI values have also been reported (see for example: Evilä et al. 2017. PubMed ID: 27796757; Ge et al. 2019. PubMed ID: 31053406). This variant is interpreted as likely pathogenic for autosomal recessive TTN-related disorders but remains as a variant of uncertain significance for autosomal dominant TTN-related disorders.

Revvity Omics, Revvity
Classification: Uncertain significance. Last evaluated: 2024-10-18. Review status: criteria provided, single submitter. Criteria: ACMG Guidelines, 2015. Collection method: clinical testing. Allele origin: germline.

Muscle and Diseases Team, Institut de Génétique et Biologie Moléculaire et Cellulaire
Classification: Likely pathogenic for Centronuclear myopathy. Last evaluated: 2024-03-01. Review status: criteria provided, single submitter. Criteria: ACMG Guidelines, 2015. Collection method: research. Allele origin: unknown. Affected: yes. Observed: 1 variant allele.
Comment: PVS1+PM2

Broad Center for Mendelian Genomics, Broad Institute of MIT and Harvard
Classification: Uncertain significance for Autosomal recessive limb-girdle muscular dystrophy type 2J. Review status: criteria provided, single submitter. Criteria: ACMG Guidelines, 2015. Collection method: research. Allele origin: germline. Inheritance: Autosomal recessive inheritance. Affected: yes. Observed: 1 variant allele, 1 compound heterozygote. Study: Broad Institute Center for Mendelian Genomics (CMG).
Comment: This variant has not been reported in the literature but compound heterozygous loss of function variants have been previously described in individuals with Limb Girdle Muscular Dystrophy (source: ClinVar). This varint has been identified in <0.01% (2/70872) of European chromosomes by the Genome Aggregation Database (gnomAD; dbSNP rs765879488). AAlthough this variant has been seen in the general population, its frequency is low enough to be consistent with a recessive carrier frequency. In summary, while there is some suspicion for a pathogenic role, the clinical significance of this variant is uncertain.

Literature cited by the submitters: PubMed 29435569 (cited by Labcorp Genetics (formerly Invitae), Labcorp); PubMed 32528171 (cited by Labcorp Genetics (formerly Invitae), Labcorp); PubMed 25589632 (cited by Labcorp Genetics (formerly Invitae), Labcorp); PubMed 23975875 (cited by Labcorp Genetics (formerly Invitae), Labcorp); PubMed 27869827 (cited by Labcorp Genetics (formerly Invitae), Labcorp); PubMed 32964742 (cited by Labcorp Genetics (formerly Invitae), Labcorp); DOI 10.1186/s13073-024-01353-0 (cited by Muscle and Diseases Team, Institut de Génétique et Biologie Moléculaire et Cellulaire).

NM_001267550.2(TTN):c.35828dup (p.Glu11945Argfs)

Gene: TTN (titin; minus strand). Cytogenetic location: 2q31.2.
Variant type: Duplication.
Coding change: c.35828dup on transcript NM_001267550.2 (MANE Select); coding-DNA position 35828, one base duplicated (A; older notation c.35828dupA).
Protein change: p.Glu11945Argfs; shifts the reading frame from glutamic acid 11945.
Molecular consequence: frameshift variant. On other transcripts: intron variant (5).
Genome position (GRCh38, 1-based): chr2:178,666,871, T duplicated on the plus strand (A on the coding strand, the reverse complement: TTN is on the minus strand). VCF-style (leftmost placement, unchanged base first): chr2-178666870-C-CT. GRCh37 (hg19) VCF-style: chr2-179531597-C-CT.
Other names: c.13283-24554dup (NM_003319.4); c.13859-24554dup (NM_133437.4); c.13658-24554dup (NM_133432.3); c.31483+3347dup (NM_133378.4); c.34264+3347dup (NM_001256850.1); c.35828dupA (NM_001267550.2); short protein forms E11945fs.
Identifiers: ClinVar variation 548989 (VCV000548989.14), dbSNP rs765879488, ClinGen allele CA1997723.
Genomic context (GRCh38, chr2:178,666,870, plus strand): 5'-CTTCCAACTTGTACCTGTTGGTGATGGTGTTTTTCTTCTTTTAACAATAGGAGTTTCTCC[C>CT]TCTGGAATGACTTCCTTGAAGACTTCAAACTCTTTAAAGATATTAGTATTTTTTTTAATT-3'